The following is an entry in ClinVar:

NM_170707.4(LMNA):c.574G>A (p.Asp192Asn)

Gene: LMNA (lamin A/C; plus strand). Cytogenetic location: 1q22.
Variant type: single nucleotide variant.
Coding change: c.574G>A on transcript NM_170707.4 (MANE Select); coding-DNA position 574, G replaced by A.
Protein change: p.Asp192Asn; replaces aspartic acid 192 with asparagine.
Molecular consequence: missense variant. On other transcripts: 5 prime UTR variant (4).
Genome position (GRCh38, 1-based): chr1:156,134,463, G>A. VCF-style: chr1-156134463-G-A. GRCh37 (hg19) VCF-style: chr1-156104254-G-A.
Other names: c.238G>A, p.Asp80Asn (NM_001257374.3, NM_001406989.1, NM_001406998.1); c.331G>A, p.Asp111Asn (NM_001282624.2, NM_001406986.1, NM_001406987.1); c.574G>A, p.Asp192Asn (NM_001282625.2, NM_001282626.2, NM_001406983.1 and 6 more transcripts); c.277G>A, p.Asp93Asn (NM_001406988.1); c.16G>A, p.Asp6Asn (NM_001406990.1, NM_001406993.1, NM_001406995.1 and 4 more transcripts); c.-91G>A (NM_001406994.1, NM_001406999.1, NM_001407000.1 and 1 more transcripts); short protein forms D111N, D192N, D6N, D80N, D93N.
Identifiers: ClinVar variation 3895009 (VCV003895009.2).

ClinVar aggregate classification (germline): Uncertain significance. Review status: criteria provided, multiple submitters, no conflicts (2 of 4 stars). 2 submissions from 2 submitters: Uncertain significance (2). Last evaluated 2025-04-09.

Conditions:
Cardiovascular phenotype. Identifiers: MedGen CN230736.

Submissions (2):

Molecular Diagnostic Laboratory for Inherited Cardiovascular Disease, Montreal Heart Institute
Classification: Uncertain significance for Cardiovascular phenotype. Last evaluated: 2025-04-09. Review status: criteria provided, single submitter. Criteria: ACMG Guidelines, 2015. Collection method: clinical testing. Allele origin: germline. Affected: yes.
Comment: PM2, PM5_supp, PP2, PP3

Ambry Genetics
Classification: Uncertain significance for Cardiovascular phenotype. Last evaluated: 2025-03-21. Review status: criteria provided, single submitter. Criteria: Ambry Variant Classification Scheme 2023. Collection method: clinical testing. Allele origin: germline.
Comment: The p.D192N variant (also known as c.574G>A), located in coding exon 3 of the LMNA gene, results from a G to A substitution at nucleotide position 574. The aspartic acid at codon 192 is replaced by asparagine, an amino acid with highly similar properties. This amino acid position is highly conserved in available vertebrate species. In addition, the in silico prediction for this alteration is inconclusive. Based on the available evidence, the clinical significance of this variant remains unclear.